The following is an entry in ClinVar:

NM_000257.4(MYH7):c.4943G>C (p.Ser1648Thr)

Genes: MHRT (myosin heavy chain associated RNA transcript; plus strand), MYH7 (myosin heavy chain 7; minus strand), LOC126861897 (BRD4-independent group 4 enhancer GRCh37_chr14:23884455-23885654; plus strand). Cytogenetic location: 14q11.2.
Variant type: single nucleotide variant.
Coding change: c.4943G>C on transcript NM_000257.4 (MANE Select); coding-DNA position 4943, G replaced by C.
Protein change: p.Ser1648Thr; replaces serine 1648 with threonine.
Molecular consequence: missense variant. On other transcripts: non-coding transcript variant (1).
Genome position (GRCh38, 1-based): chr14:23,416,014, C>G on the plus strand (G>C on the coding strand, the complement: MYH7 is on the minus strand). VCF-style: chr14-23416014-C-G. GRCh37 (hg19) VCF-style: chr14-23885223-C-G.
Other names: c.4943G>C, p.Ser1648Thr (NM_001407004.1); short protein forms S1648T.
Identifiers: ClinVar variation 3673444 (VCV003673444.2).

ClinVar aggregate classification (germline): Uncertain significance (1 of 4 stars; one submission).

Conditions:
Hypertrophic cardiomyopathy. Also called: HYPERTROPHIC MYOCARDIOPATHY. Identifiers: Orphanet 217569, MedGen C0007194, MeSH D002312, MONDO:0005045, HP:0001639.

Submission:

Labcorp Genetics (formerly Invitae), Labcorp
Classification: Uncertain significance for Hypertrophic cardiomyopathy. Last evaluated: 2024-07-22. Review status: criteria provided, single submitter. Criteria: Invitae Variant Classification Sherloc (09022015). Collection method: clinical testing. Allele origin: germline.
Comment: This sequence change replaces serine, which is neutral and polar, with threonine, which is neutral and polar, at codon 1648 of the MYH7 protein (p.Ser1648Thr). This variant is not present in population databases (gnomAD no frequency). This variant has not been reported in the literature in individuals affected with MYH7-related conditions. Advanced modeling of protein sequence and biophysical properties (such as structural, functional, and spatial information, amino acid conservation, physicochemical variation, residue mobility, and thermodynamic stability) performed at Invitae indicates that this missense variant is not expected to disrupt MYH7 protein function with a negative predictive value of 95%. In summary, the available evidence is currently insufficient to determine the role of this variant in disease. Therefore, it has been classified as a Variant of Uncertain Significance.